The following is an entry in ClinVar:

ClinVar aggregate classification (germline): Likely pathogenic (1 of 4 stars; one submission).

Conditions:
Sotos syndrome (SOTOS). Also called: Distinctive facial appearance, overgrowth in childhood, and learning disabilities or delayed development; CHROMOSOME 5q35 DELETION SYNDROME; SOTOS SYNDROME 1; CEREBRAL GIGANTISM; Sotos' syndrome. Identifiers: Orphanet 821, MedGen C0175695, MONDO:0019349, OMIM 117550.

Submission:

Institute of Human Genetics, University of Leipzig Medical Center
Classification: Likely pathogenic for Sotos syndrome. Last evaluated: 2026-07-24. Review status: criteria provided, single submitter. Criteria: ACMG Guidelines, 2015. Collection method: clinical testing. Allele origin: unknown. Inheritance: Autosomal dominant inheritance. Affected: yes.
Comment: Criteria applied: PM2,PM5_SUP,PP2,PP3

NM_022455.5(NSD1):c.4904G>C (p.Cys1635Ser)

Gene: NSD1 (nuclear receptor binding SET domain protein 1; plus strand). Cytogenetic location: 5q35.3.
Variant type: single nucleotide variant.
Coding change: c.4904G>C on transcript NM_022455.5 (MANE Select); coding-DNA position 4904, G replaced by C.
Protein change: p.Cys1635Ser; replaces cysteine 1635 with serine.
Molecular consequence: missense variant.
Genome position (GRCh38, 1-based): chr5:177,257,089, G>C. VCF-style: chr5-177257089-G-C. GRCh37 (hg19) VCF-style: chr5-176684090-G-C.
Other names: c.4031G>C, p.Cys1344Ser (NM_001365684.2, NM_001409308.1, NM_001409309.1 and 1 more transcripts); c.4904G>C, p.Cys1635Ser (NM_001409301.1, NM_001409302.1, NM_001409303.1); c.4484G>C, p.Cys1495Ser (NM_001409304.1); c.4151G>C, p.Cys1384Ser (NM_001409305.1); c.4142G>C, p.Cys1381Ser (NM_001409306.1, NM_001409307.1); short protein forms C1344S, C1381S, C1384S, C1495S, C1635S.
Identifiers: ClinVar variation 4890693 (VCV004890693.1).